The following is an entry in ClinVar:

NM_001080449.3(DNA2):c.2337A>C (p.Ser779=)

Gene: DNA2 (DNA replication helicase/nuclease 2; minus strand). Cytogenetic location: 10q21.3.
Variant type: single nucleotide variant.
Coding change: c.2337A>C on transcript NM_001080449.3 (MANE Select); coding-DNA position 2337, A replaced by C.
Protein change: p.Ser779=; no amino-acid change (serine 779 retained).
Molecular consequence: synonymous variant. On other transcripts: non-coding transcript variant (1).
Genome position (GRCh38, 1-based): chr10:68,422,762, T>G on the plus strand (A>C on the coding strand, the complement: DNA2 is on the minus strand). VCF-style: chr10-68422762-T-G. GRCh37 (hg19) VCF-style: chr10-70182519-T-G.
Identifiers: ClinVar variation 3345633 (VCV003345633.2).

ClinVar aggregate classification (germline): Likely benign. Review status: criteria provided, single submitter (1 of 4 stars). 2 submissions from 2 submitters: Likely benign (1). 1 of the submissions does not count toward it. Last evaluated 2025-12-02.

Conditions:
DNA2-related disorder. Also called: DNA2-related condition.

Submissions (2):

Labcorp Genetics (formerly Invitae), Labcorp
Classification: Likely benign. Last evaluated: 2025-12-02. Review status: criteria provided, single submitter. Criteria: Invitae Variant Classification Sherloc (09022015). Collection method: clinical testing. Allele origin: germline.

PreventionGenetics, part of Exact Sciences
Classification: Likely benign for DNA2-related condition. Last evaluated: 2024-09-23. Review status: no assertion criteria provided. Collection method: clinical testing. Allele origin: germline. Not counted in ClinVar's aggregate classification.
Comment: This variant is classified as likely benign based on ACMG/AMP sequence variant interpretation guidelines (Richards et al. 2015 PMID: 25741868, with internal and published modifications).